The following is an entry in ClinVar:

ClinVar aggregate classification (germline): Likely benign (0 of 4 stars; one submission).

Conditions:
AGTR1-related disorder. Also called: AGTR1-related condition.

gnomAD v4.1: 81 of 1,231,762 alleles (0.0066%); highest among the groups gnomAD compares: Non-Finnish European, 0.0081%; no homozygotes.

Submission:

PreventionGenetics, part of Exact Sciences
Classification: Likely benign for AGTR1-related condition. Last evaluated: 2024-06-05. Review status: no assertion criteria provided. Collection method: clinical testing. Allele origin: germline.
Comment: This variant is classified as likely benign based on ACMG/AMP sequence variant interpretation guidelines (Richards et al. 2015 PMID: 25741868, with internal and published modifications).

NM_000685.5(AGTR1):c.-47-1064C>G

Gene: AGTR1 (angiotensin II receptor type 1; plus strand). Cytogenetic location: 3q24.
Variant type: single nucleotide variant.
Coding change: c.-47-1064C>G on transcript NM_000685.5 (MANE Select); 1064 bases into the intron before 47 bases upstream of the start codon, C replaced by G.
Molecular consequence: intron variant. On other transcripts: 5 prime UTR variant (1).
Genome position (GRCh38, 1-based): chr3:148,739,925, C>G. VCF-style: chr3-148739925-C-G. GRCh37 (hg19) VCF-style: chr3-148457712-C-G.
Other names: c.-79C>G (NM_032049.4); c.-47-1064C>G (NM_001382737.1, NM_001382736.1, NM_031850.4 and 2 more transcripts).
Identifiers: ClinVar variation 3357213 (VCV003357213.1).